The following is an entry in ClinVar:

ClinVar aggregate classification (germline): Uncertain significance (1 of 4 stars; one submission).

Allele frequency attached by ClinVar (database versions not stated): gnomAD exomes below 0.00001; TOPMed below 0.00001; ExAC 0.00002.
gnomAD v4.1: 3 of 1,589,114 alleles (0.00019%); highest among the groups gnomAD compares: Non-Finnish European, 0.00026%; no homozygotes.

Submission:

Labcorp Genetics (formerly Invitae), Labcorp
Classification: Uncertain significance. Last evaluated: 2022-10-15. Review status: criteria provided, single submitter. Criteria: Invitae Variant Classification Sherloc (09022015). Collection method: clinical testing. Allele origin: germline.
Comment: This sequence change falls in intron 46 of the CDH23 gene. It does not directly change the encoded amino acid sequence of the CDH23 protein. In summary, the available evidence is currently insufficient to determine the role of this variant in disease. Therefore, it has been classified as a Variant of Uncertain Significance. Algorithms developed to predict the effect of sequence changes on RNA splicing suggest that this variant may disrupt the consensus splice site. This variant has not been reported in the literature in individuals affected with CDH23-related conditions. The frequency data for this variant in the population databases is considered unreliable, as metrics indicate poor data quality at this position in the gnomAD database.

NM_022124.6(CDH23):c.6050-18G>A

Gene: CDH23 (cadherin related 23; plus strand). Cytogenetic location: 10q22.1.
Variant type: single nucleotide variant.
Coding change: c.6050-18G>A on transcript NM_022124.6 (MANE Select); 18 bases into the intron before coding-DNA position 6050, G replaced by A.
Molecular consequence: intron variant.
Genome position (GRCh38, 1-based): chr10:71,791,114, G>A. VCF-style: chr10-71791114-G-A. GRCh37 (hg19) VCF-style: chr10-73550871-G-A.
Identifiers: ClinVar variation 1922271 (VCV001922271.5), dbSNP rs779447313, ClinGen allele CA5545982.